The following is an entry in ClinVar:

ClinVar aggregate classification (germline): Pathogenic (1 of 4 stars; one submission).

Conditions:
Seizures, benign familial infantile, 3 (BFIS3). Also called: CONVULSIONS, BENIGN FAMILIAL INFANTILE, 3; Familial neonatal seizures. Identifiers: Orphanet 140927, Orphanet 306, MedGen C1843140, MONDO:0011904, OMIM 607745.
Episodic ataxia, type 9. Identifiers: MedGen C5394520, MONDO:0030064, OMIM 618924.
Developmental and epileptic encephalopathy, 11 (DEE11). Also called: Early infantile epileptic encephalopathy 11. Identifiers: Orphanet 1934, MedGen C3150987, MONDO:0013388, OMIM 613721.

Submission:

Juno Genomics, Hangzhou Juno Genomics, Inc
Classification: Pathogenic for Developmental and epileptic encephalopathy, 11; Episodic ataxia, type 9; Seizures, benign familial infantile, 3. Review status: criteria provided, single submitter. Criteria: ACMG Guidelines, 2015. Collection method: clinical testing. Allele origin: germline. Affected: yes.
Comment: Null variant in a gene where loss of function (LOF) is a known mechanism of disease.;Absent from controls (or at extremely low frequency if recessive) in Genome Aggregation Database, Exome Sequencing Project, 1000 Genomes Project, or Exome Aggregation Consortium.;Assumed de novo, but without confirmation of paternity and maternity.;Patient's phenotype or family history is highly specific for a disease with a single genetic etiology.

NM_001040142.2(SCN2A):c.4385del (p.Phe1462fs)

Gene: SCN2A (sodium voltage-gated channel alpha subunit 2; plus strand). Cytogenetic location: 2q24.3.
Variant type: Deletion.
Coding change: c.4385del on transcript NM_001040142.2 (MANE Select); coding-DNA position 4385, one base deleted (T; older notation c.4385delT).
Protein change: p.Phe1462fs; shifts the reading frame from phenylalanine 1462.
Molecular consequence: frameshift variant.
Genome position (GRCh38, 1-based): chr2:165,380,668, T deleted; the last of 2 consecutive T bases (chr2:165,380,667-165,380,668); deleting either gives the same sequence. VCF-style (leftmost placement, unchanged base first): chr2-165380666-AT-A. GRCh37 (hg19) VCF-style: chr2-166237176-AT-A.
Other names: c.4385del, p.Phe1462fs (NM_001040143.2, NM_001371246.1, NM_001371247.1 and 1 more transcripts); short protein forms F1462fs.
Identifiers: ClinVar variation 3382990 (VCV003382990.2).